The following is an entry in ClinVar:

ClinVar aggregate classification (germline): Likely pathogenic (1 of 4 stars; one submission).

Conditions:
Familial dysautonomia. Also called: HSAN III; FD. Identifiers: Orphanet 1764, MedGen C0013364, MONDO:0009131, OMIM 223900. Disease mechanism: loss of function.

Submission:

Myriad Genetics, Inc.
Classification: Likely pathogenic for Familial dysautonomia. Last evaluated: 2022-05-12. Review status: criteria provided, single submitter. Criteria: Myriad Women's Health Autosomal Recessive and X-Linked Classification Criteria (2021). Collection method: clinical testing. Allele origin: unknown.
Comment: NM_003640.3(ELP1):c.2474dupC(V826Sfs*9) is expected to be pathogenic in the context of familial dysautonomia. This variant is predicted to lead to an abnormal or absent protein product due to the creation of a premature termination codon in ELP1, a gene where loss-of-function variants are known to be pathogenic. Please note: this variant was assessed in the context of healthy population screening.

NM_003640.5(ELP1):c.2474dup (p.Val826fs)

Gene: ELP1 (elongator acetyltransferase complex subunit 1; minus strand). Cytogenetic location: 9q31.3.
Variant type: Duplication.
Coding change: c.2474dup on transcript NM_003640.5 (MANE Select); coding-DNA position 2474, one base duplicated (C; older notation c.2474dupC).
Protein change: p.Val826fs; shifts the reading frame from valine 826.
Molecular consequence: frameshift variant.
Genome position (GRCh38, 1-based): chr9:108,897,175, G duplicated on the plus strand (C on the coding strand, the reverse complement: ELP1 is on the minus strand). VCF-style (leftmost placement, unchanged base first): chr9-108897174-T-TG. GRCh37 (hg19) VCF-style: chr9-111659454-T-TG.
Other names: c.2132dup, p.Val712fs (NM_001318360.2); c.1427dup, p.Val477fs (NM_001330749.2); short protein forms V477fs, V712fs, V826fs.
Identifiers: ClinVar variation 1726046 (VCV001726046.2), dbSNP rs2537891053, ClinGen allele CA2580079387.